The following is an entry in ClinVar:

ClinVar aggregate classification (germline): Likely benign (1 of 4 stars; one submission).

Allele frequency attached by ClinVar (database versions not stated): ExAC 0.00044; ESP Exome Variant Server 0.00108; gnomAD 0.00120; TOPMed 0.00138; 1000 Genomes Project 0.00180; 1000 Genomes Project 30x 0.00203.

Submission:

CeGaT Center for Human Genetics Tuebingen
Classification: Likely benign. Last evaluated: 2022-04-01. Review status: criteria provided, single submitter. Criteria: CeGaT Center For Human Genetics Tuebingen Variant Classification Criteria Version 2. Collection method: clinical testing. Allele origin: germline. Affected: yes. Observed: 1 variant allele.
Comment: ALOX12: BP4, BP7

NM_000697.3(ALOX12):c.1029A>C (p.Ala343=)

Genes: ALOX12 (arachidonate 12-lipoxygenase, 12S type; plus strand), ALOX12-AS1 (ALOX12 antisense RNA 1; minus strand). Cytogenetic location: 17p13.1.
Variant type: single nucleotide variant.
Coding change: c.1029A>C on transcript NM_000697.3 (MANE Select); coding-DNA position 1029, A replaced by C.
Protein change: p.Ala343=; no amino-acid change (alanine 343 retained).
Molecular consequence: synonymous variant.
Genome position (GRCh38, 1-based): chr17:7,001,679, A>C. VCF-style: chr17-7001679-A-C. GRCh37 (hg19) VCF-style: chr17-6904998-A-C.
Identifiers: ClinVar variation 2647317 (VCV002647317.24), dbSNP rs140313041, ClinGen allele CA8333390.